The following is an entry in ClinVar:

ClinVar aggregate classification (germline): Uncertain significance (1 of 4 stars; one submission).

gnomAD v4.1: 1 of 1,614,120 alleles (0.000062%); highest among the groups gnomAD compares: Non-Finnish European, 0.000085%; no homozygotes.

Submission:

Labcorp Genetics (formerly Invitae), Labcorp
Classification: Uncertain significance. Last evaluated: 2022-02-05. Review status: criteria provided, single submitter. Criteria: Invitae Variant Classification Sherloc (09022015). Collection method: clinical testing. Allele origin: germline.
Comment: In summary, the available evidence is currently insufficient to determine the role of this variant in disease. Therefore, it has been classified as a Variant of Uncertain Significance. Variants that disrupt the consensus splice site are a relatively common cause of aberrant splicing (PMID: 17576681, 9536098). Algorithms developed to predict the effect of sequence changes on RNA splicing suggest that this variant may disrupt the consensus splice site. This variant has not been reported in the literature in individuals affected with COL9A2-related conditions. This variant is not present in population databases (gnomAD no frequency). This sequence change affects codon 246 of the COL9A2 mRNA. It is a 'silent' change, meaning that it does not change the encoded amino acid sequence of the COL9A2 protein. This variant also falls at the last nucleotide of exon 14, which is part of the consensus splice site for this exon.

Literature cited by the submitters: PubMed 17576681; PubMed 9536098.

NM_001852.4(COL9A2):c.738G>T (p.Thr246=)

Gene: COL9A2 (collagen type IX alpha 2 chain; minus strand). Cytogenetic location: 1p34.2.
Variant type: single nucleotide variant.
Coding change: c.738G>T on transcript NM_001852.4 (MANE Select); coding-DNA position 738, G replaced by T.
Protein change: p.Thr246=; no amino-acid change (threonine 246 retained).
Molecular consequence: synonymous variant.
Genome position (GRCh38, 1-based): chr1:40,310,264, C>A on the plus strand (G>T on the coding strand, the complement: COL9A2 is on the minus strand). VCF-style: chr1-40310264-C-A. GRCh37 (hg19) VCF-style: chr1-40775936-C-A.
Identifiers: ClinVar variation 1493742 (VCV001493742.6), dbSNP rs1390859645, ClinGen allele CA417330559.
Genomic context (GRCh38, chr1:40,310,264, plus strand): 5'-CTCCAGGGGCCAGAAGGCAGCTCCTGGAAGCTCTTGTAGAACACCCCAAGATTCACTTAC[C>A]GTCTCTCCCTTGGGCCCTGCCATGCCTGGGTAGCCCCTGATGCCCTGGGGACCCTGTTGA-3'
Protein context (NP_001843.1, residues 236-256): YPGMAGPKGE[Thr246=]GPHGYKGMVG